The following is an entry in ClinVar:

ClinVar aggregate classification (germline): Uncertain significance (1 of 4 stars; one submission).

Conditions:
Developmental and epileptic encephalopathy, 50 (DEE50). Also called: Epileptic encephalopathy, early infantile, 50. Identifiers: Orphanet 448010, MedGen C4225320, MONDO:0014647, OMIM 616457.

Allele frequency attached by ClinVar (database versions not stated): gnomAD exomes 0.00001.

Submission:

Baylor Genetics
Classification: Uncertain significance for Developmental and epileptic encephalopathy, 50. Last evaluated: 2019-01-15. Review status: criteria provided, single submitter. Criteria: ACMG Guidelines, 2015. Collection method: clinical testing. Allele origin: unknown. Affected: yes.
Comment: This variant was determined to be of uncertain significance according to ACMG Guidelines, 2015 [PMID:25741868].

NM_004341.5(CAD):c.208T>C (p.Phe70Leu)

Gene: CAD (carbamoyl-phosphate synthetase 2, aspartate transcarbamylase, and dihydroorotase; plus strand). Cytogenetic location: 2p23.3.
Variant type: single nucleotide variant.
Coding change: c.208T>C on transcript NM_004341.5 (MANE Select); coding-DNA position 208, T replaced by C.
Protein change: p.Phe70Leu; replaces phenylalanine 70 with leucine.
Molecular consequence: missense variant.
Genome position (GRCh38, 1-based): chr2:27,218,002, T>C. VCF-style: chr2-27218002-T-C. GRCh37 (hg19) VCF-style: chr2-27440870-T-C.
Other names: c.208T>C, p.Phe70Leu (NM_001306079.2); short protein forms F70L.
Identifiers: ClinVar variation 1028220 (VCV001028220.1), dbSNP rs1674954573, ClinGen allele CA346196431.